The following is an entry in ClinVar:

NM_001110556.2(FLNA):c.900G>T (p.Lys300Asn)

Gene: FLNA (filamin A; minus strand). Cytogenetic location: Xq28.
Variant type: single nucleotide variant.
Coding change: c.900G>T on transcript NM_001110556.2 (MANE Select); coding-DNA position 900, G replaced by T.
Protein change: p.Lys300Asn; replaces lysine 300 with asparagine.
Molecular consequence: missense variant.
Genome position (GRCh38, 1-based): chrX:154,366,819, C>A on the plus strand (G>T on the coding strand, the complement: FLNA is on the minus strand). VCF-style: chrX-154366819-C-A. GRCh37 (hg19) VCF-style: chrX-153595187-C-A.
Other names: c.900G>T, p.Lys300Asn (NM_001456.4); short protein forms K300N.
Identifiers: ClinVar variation 1765472 (VCV001765472.5), dbSNP rs2522762532, ClinGen allele CA415248009.

ClinVar aggregate classification (germline): Uncertain significance. Review status: criteria provided, multiple submitters, no conflicts (2 of 4 stars). 2 submissions from 2 submitters: Uncertain significance (2). Last evaluated 2023-09-22.

Conditions:
Familial thoracic aortic aneurysm and aortic dissection (TAAD). Also called: Thoracic aortic aneurysms and dissections. Identifiers: Orphanet 91387, MedGen C4707243, MONDO:0019625.

Submissions (2):

Revvity Omics, Revvity
Classification: Uncertain significance. Last evaluated: 2023-09-22. Review status: criteria provided, single submitter. Criteria: ACMG Guidelines, 2015. Collection method: clinical testing. Allele origin: germline.

Ambry Genetics
Classification: Uncertain significance for Familial thoracic aortic aneurysm and aortic dissection. Last evaluated: 2019-03-05. Review status: criteria provided, single submitter. Criteria: Ambry Variant Classification Scheme 2023. Collection method: clinical testing. Allele origin: germline.
Comment: The p.K300N variant (also known as c.900G>T), located in coding exon 5 of the FLNA gene, results from a G to T substitution at nucleotide position 900. The lysine at codon 300 is replaced by asparagine, an amino acid with similar properties. This amino acid position is well conserved in available vertebrate species. In addition, this alteration is predicted to be tolerated by in silico analysis. Since supporting evidence is limited at this time, the clinical significance of this alteration remains unclear.